The following is an entry in ClinVar:

ClinVar aggregate classification (germline): Conflicting classifications of pathogenicity. Review status: criteria provided, conflicting classifications (1 of 4 stars). 3 submissions from 3 submitters: Uncertain significance (1); Likely benign (2). Last evaluated 2026-01-19.

Conditions:
Autosomal recessive nonsyndromic hearing loss 9. Also called: NEUROSENSORY NONSYNDROMIC RECESSIVE DEAFNESS 9; Deafness, autosomal recessive 9; AUDITORY NEUROPATHY, AUTOSOMAL RECESSIVE, 1, TEMPERATURE-SENSITIVE; OTOF-Related Hearing Loss. Identifiers: Orphanet 90636, MedGen C1832828, MONDO:0010986, OMIM 601071.

Allele frequency attached by ClinVar (database versions not stated): TOPMed 0.00003; gnomAD exomes 0.00010 and 0.00024; 1000 Genomes Project 0.00060; 1000 Genomes Project 30x 0.00062.
gnomAD v4.1: 179 of 1,614,110 alleles (0.011%); highest among the groups gnomAD compares: South Asian, 0.16%; 2 homozygotes.

Submissions (3):

Labcorp Genetics (formerly Invitae), Labcorp
Classification: Likely benign. Last evaluated: 2026-01-19. Review status: criteria provided, single submitter. Criteria: Invitae Variant Classification Sherloc (09022015). Collection method: clinical testing. Allele origin: germline.

CeGaT Center for Human Genetics Tuebingen
Classification: Likely benign. Last evaluated: 2026-01-01. Review status: criteria provided, single submitter. Criteria: CeGaT Center For Human Genetics Tuebingen Variant Classification Criteria Version 2. Collection method: clinical testing. Allele origin: germline. Affected: yes. Observed: 1 variant allele.
Comment: OTOF: BP4, BP7

Illumina Laboratory Services, Illumina
Classification: Uncertain significance for Autosomal recessive nonsyndromic hearing loss 9. Last evaluated: 2018-01-13. Review status: criteria provided, single submitter. Criteria: ICSL Variant Classification Criteria 13 December 2019. Collection method: clinical testing. Allele origin: germline.

NM_194248.3(OTOF):c.783C>T (p.Ile261=)

Gene: OTOF (otoferlin; minus strand). Cytogenetic location: 2p23.3.
Variant type: single nucleotide variant.
Coding change: c.783C>T on transcript NM_194248.3 (MANE Select); coding-DNA position 783, C replaced by T.
Protein change: p.Ile261=; no amino-acid change (isoleucine 261 retained).
Molecular consequence: synonymous variant.
Genome position (GRCh38, 1-based): chr2:26,495,056, G>A on the plus strand (C>T on the coding strand, the complement: OTOF is on the minus strand). VCF-style: chr2-26495056-G-A. GRCh37 (hg19) VCF-style: chr2-26717924-G-A.
Other names: c.783C>T, p.Ile261= (NM_001287489.2).
Identifiers: ClinVar variation 896595 (VCV000896595.11), dbSNP rs556182666, ClinGen allele CA1564498.